The following is an entry in ClinVar:

NM_000492.4(CFTR):c.2354G>C (p.Arg785Pro)

Gene: CFTR (CF transmembrane conductance regulator; plus strand). Cytogenetic location: 7q31.2.
Variant type: single nucleotide variant.
Coding change: c.2354G>C on transcript NM_000492.4 (MANE Select); coding-DNA position 2354, G replaced by C.
Protein change: p.Arg785Pro; replaces arginine 785 with proline.
Molecular consequence: missense variant.
Genome position (GRCh38, 1-based): chr7:117,592,521, G>C. VCF-style: chr7-117592521-G-C. GRCh37 (hg19) VCF-style: chr7-117232575-G-C.
Other names: short protein forms R785P.
Identifiers: ClinVar variation 3016828 (VCV003016828.3), dbSNP rs141880790, ClinGen allele CA4451176.
Genomic context (GRCh38, chr7:117,592,521, plus strand): 5'-GGAGGCAGTCTGTCCTGAACCTGATGACACACTCAGTTAACCAAGGTCAGAACATTCACC[G>C]AAAGACAACAGCATCCACACGAAAAGTGTCACTGGCCCCTCAGGCAAACTTGACTGAACT-3'
Protein context (NP_000483.3, residues 775-795): HSVNQGQNIH[Arg785Pro]KTTASTRKVS

ClinVar aggregate classification (germline): Uncertain significance (1 of 4 stars; one submission).

Conditions:
Cystic fibrosis (CF). Also called: MUCOVISCIDOSIS. Identifiers: Orphanet 586, MedGen C0010674, MONDO:0009061, OMIM 219700. Disease mechanism: loss of function.

gnomAD v4.1: 6 of 1,527,968 alleles (0.00039%); highest among the groups gnomAD compares: South Asian, 0.008%; no homozygotes.

Submission:

Labcorp Genetics (formerly Invitae), Labcorp
Classification: Uncertain significance for Cystic fibrosis. Last evaluated: 2023-08-19. Review status: criteria provided, single submitter. Criteria: Invitae Variant Classification Sherloc (09022015). Collection method: clinical testing. Allele origin: germline.
Comment: In summary, the available evidence is currently insufficient to determine the role of this variant in disease. Therefore, it has been classified as a Variant of Uncertain Significance. Advanced modeling of protein sequence and biophysical properties (such as structural, functional, and spatial information, amino acid conservation, physicochemical variation, residue mobility, and thermodynamic stability) performed at Invitae indicates that this missense variant is not expected to disrupt CFTR protein function. This variant has not been reported in the literature in individuals affected with CFTR-related conditions. This variant is present in population databases (rs141880790, gnomAD 0.006%). This sequence change replaces arginine, which is basic and polar, with proline, which is neutral and non-polar, at codon 785 of the CFTR protein (p.Arg785Pro).